The following is an entry in ClinVar:

NM_015627.3(LDLRAP1):c.362C>T (p.Ala121Val)

Gene: LDLRAP1 (low density lipoprotein receptor adaptor protein 1; plus strand). Cytogenetic location: 1p36.11.
Variant type: single nucleotide variant.
Coding change: c.362C>T on transcript NM_015627.3 (MANE Select); coding-DNA position 362, C replaced by T.
Protein change: p.Ala121Val; replaces alanine 121 with valine.
Molecular consequence: missense variant.
Genome position (GRCh38, 1-based): chr1:25,557,170, C>T. VCF-style: chr1-25557170-C-T. GRCh37 (hg19) VCF-style: chr1-25883661-C-T.
Other names: short protein forms A121V.
Identifiers: ClinVar variation 2448693 (VCV002448693.4), dbSNP rs763142541, ClinGen allele CA695527.

ClinVar aggregate classification (germline): Uncertain significance (1 of 4 stars; one submission).

Conditions:
Cardiovascular phenotype. Identifiers: MedGen CN230736.

Allele frequency attached by ClinVar (database versions not stated): gnomAD exomes below 0.00001; TOPMed 0.00001; ExAC 0.00002.

Submission:

Ambry Genetics
Classification: Uncertain significance for Cardiovascular phenotype. Last evaluated: 2025-07-13. Review status: criteria provided, single submitter. Criteria: Ambry Variant Classification Scheme 2023. Collection method: clinical testing. Allele origin: germline.
Comment: The p.A121V variant (also known as c.362C>T), located in coding exon 4 of the LDLRAP1 gene, results from a C to T substitution at nucleotide position 362. The alanine at codon 121 is replaced by valine, an amino acid with similar properties. This amino acid position is conserved. In addition, this alteration is predicted to be tolerated by in silico analysis. Since supporting evidence is limited at this time, the clinical significance of this alteration remains unclear.